The following is an entry in ClinVar:

NM_000135.4(FANCA):c.658C>T (p.Gln220Ter)

Gene: FANCA (FA complementation group A; minus strand). Cytogenetic location: 16q24.3.
Variant type: single nucleotide variant.
Coding change: c.658C>T on transcript NM_000135.4 (MANE Select); coding-DNA position 658, C replaced by T.
Protein change: p.Gln220Ter; replaces glutamine 220 with a stop codon.
Molecular consequence: nonsense.
Genome position (GRCh38, 1-based): chr16:89,805,331, G>A on the plus strand (C>T on the coding strand, the complement: FANCA is on the minus strand). VCF-style: chr16-89805331-G-A. GRCh37 (hg19) VCF-style: chr16-89871739-G-A.
Other names: c.658C>T, p.Gln220Ter (NM_001018112.3, NM_001286167.3); c.562C>T, p.Gln188Ter (NM_001351830.2); short protein forms Q188*, Q220*.
Identifiers: ClinVar variation 984163 (VCV000984163.3), dbSNP rs775697743, ClinGen allele CA397477944.

ClinVar aggregate classification (germline): Likely pathogenic (1 of 4 stars; one submission).

Conditions:
Fanconi anemia complementation group A (FANCA). Also called: Fanconi anemia, group A; FANCA-Related Fanconi Anemia. Identifiers: Orphanet 84, MedGen C3469521, MONDO:0009215, OMIM 227650.

Allele frequency attached by ClinVar (database versions not stated): gnomAD exomes below 0.00001.
gnomAD v4.1: 1 of 1,614,056 alleles (0.000062%); highest among the groups gnomAD compares: Non-Finnish European, 0.000085%; no homozygotes.

Submission:

Myriad Genetics, Inc.
Classification: Likely pathogenic for Fanconi anemia complementation group A. Last evaluated: 2019-10-21. Review status: criteria provided, single submitter. Criteria: Myriad Women's Health Autosomal Recessive and X-Linked Classification Criteria (2019). Collection method: clinical testing. Allele origin: unknown.
Comment: NM_000135.2(FANCA):c.658C>T(Q220*) is expected to be pathogenic in the context of Fanconi anemia complementation group A. This variant is predicted to lead to an abnormal or absent protein product due to the creation of a premature termination codon in FANCA, a gene where loss-of-function variants are known to be pathogenic. Please note: this variant was assessed in the context of healthy population screening.